The following is an entry in ClinVar:

NM_000540.3(RYR1):c.349C>G (p.Leu117Val)

Gene: RYR1 (ryanodine receptor 1; plus strand). Cytogenetic location: 19q13.2.
Variant type: single nucleotide variant.
Coding change: c.349C>G on transcript NM_000540.3 (MANE Select); coding-DNA position 349, C replaced by G.
Protein change: p.Leu117Val; replaces leucine 117 with valine.
Molecular consequence: missense variant.
Genome position (GRCh38, 1-based): chr19:38,443,721, C>G. VCF-style: chr19-38443721-C-G. GRCh37 (hg19) VCF-style: chr19-38934361-C-G.
Other names: c.349C>G, p.Leu117Val (NM_001042723.2); short protein forms L117V.
Identifiers: ClinVar variation 4754561 (VCV004754561.1).

ClinVar aggregate classification (germline): Uncertain significance (1 of 4 stars; one submission).

Conditions:
RYR1-related disorder. Also called: RYR1-related condition; RYR1-related disorders. Identifiers: MedGen CN239331.

gnomAD v4.1: 1 of 1,614,112 alleles (0.000062%); highest among the groups gnomAD compares: Non-Finnish European, 0.000085%; no homozygotes.

Submission:

Labcorp Genetics (formerly Invitae), Labcorp
Classification: Uncertain significance for RYR1-related disorder. Last evaluated: 2025-06-11. Review status: criteria provided, single submitter. Criteria: Invitae Variant Classification Sherloc (09022015). Collection method: clinical testing. Allele origin: germline.
Comment: This sequence change replaces leucine, which is neutral and non-polar, with valine, which is neutral and non-polar, at codon 117 of the RYR1 protein (p.Leu117Val). This variant is present in population databases (rs760949575, gnomAD 0.0009%). This variant has not been reported in the literature in individuals affected with RYR1-related conditions. Invitae Evidence Modeling of protein sequence and biophysical properties (such as structural, functional, and spatial information, amino acid conservation, physicochemical variation, residue mobility, and thermodynamic stability) has been performed for this missense variant. However, the output from this modeling did not meet the statistical confidence thresholds required to predict the impact of this variant on RYR1 protein function. In summary, the available evidence is currently insufficient to determine the role of this variant in disease. Therefore, it has been classified as a Variant of Uncertain Significance.